The following is an entry in ClinVar:

ClinVar aggregate classification (germline): Uncertain significance (1 of 4 stars; one submission).

Conditions:
Congenital stationary night blindness 2A (CSNB2A). Also called: NIGHT BLINDNESS, CONGENITAL STATIONARY, TYPE 2; Night blindness, congenital stationary (incomplete), 2A, X-linked; CSNB, INCOMPLETE, X-LINKED; CACNA1F-Related X-Linked Congenital Stationary Night Blindness. Identifiers: Orphanet 215, MedGen C1848172, MONDO:0010241, OMIM 300071.

Submission:

OLLIN Analises Genomicas, OLLIN
Classification: Uncertain significance for Congenital stationary night blindness 2A. Last evaluated: 2026-08-06. Review status: criteria provided, single submitter. Criteria: ACMG Guidelines 2015 PMID 25741868. Collection method: clinical testing. Allele origin: germline. Inheritance: X-linked inheritance.
Comment: This variant is absent from gnomAD and ClinVar and has not been found in the scientific literature. According to the currently available evidence, this variant has been classified as uncertain significance (PM2_P).

NM_001256789.3(CACNA1F):c.522-37_522-17del

Gene: CACNA1F (calcium voltage-gated channel subunit alpha1 F; minus strand). Cytogenetic location: Xp11.23.
Variant type: Deletion.
Coding change: c.522-37_522-17del on transcript NM_001256789.3 (MANE Select); 37 bases into the intron before coding-DNA position 522 through 17 bases into the intron before coding-DNA position 522, 21 bases deleted (CTGACCTCCGCCTCCCTGCCC).
Molecular consequence: intron variant.
Genome position (GRCh38, 1-based): chrX:49,230,626-49,230,646, GGGCAGGGAGGCGGAGGTCAG deleted on the plus strand (CTGACCTCCGCCTCCCTGCCC on the coding strand, the reverse complement: CACNA1F is on the minus strand); deleting any 21 consecutive bases within chrX:49,230,626-49,230,647 gives the same sequence; the c. name uses the placement nearest the transcript's 3' end. VCF-style (leftmost placement, unchanged base first): chrX-49230625-CGGGCAGGGAGGCGGAGGTCAG-C. GRCh37 (hg19) VCF-style: chrX-49087087-CGGGCAGGGAGGCGGAGGTCAG-C.
Other names: c.522-37_522-17del (NM_005183.4); c.327-37_327-17del (NM_001256790.3).
Identifiers: ClinVar variation 5002663 (VCV005002663.1).